The following is an entry in ClinVar:

ClinVar aggregate classification (germline): Pathogenic/Likely pathogenic. Review status: criteria provided, multiple submitters, no conflicts (2 of 4 stars). 8 submissions from 8 submitters: Pathogenic (2); Likely pathogenic (5). 1 of the submissions does not count toward it. Last evaluated 2026-08-06.

Conditions:
PIGO-related disorder. Also called: PIGO-related condition.
Hyperphosphatasia with impaired intellectual development syndrome 2. Also called: GLYCOSYLPHOSPHATIDYLINOSITOL BIOSYNTHESIS DEFECT 6; Hyperphosphatasia with intellectual disability syndrome 2. Identifiers: Orphanet 247262, MedGen C3553637, MONDO:0013882, OMIM 614749.

Allele frequency attached by ClinVar (database versions not stated): gnomAD exomes 0.00003 and 0.00004; TOPMed 0.00003; gnomAD 0.00004; ExAC 0.00002; ESP Exome Variant Server 0.00008.
gnomAD v4.1: 60 of 1,611,782 alleles (0.0037%); highest among the groups gnomAD compares: Admixed American, 0.0067%; no homozygotes.

Submissions (8):

OLLIN Analises Genomicas, OLLIN
Classification: Likely pathogenic for Hyperphosphatasia with impaired intellectual development syndrome 2. Last evaluated: 2026-08-06. Review status: criteria provided, single submitter. Criteria: ACMG Guidelines 2015 PMID 25741868. Collection method: clinical testing. Allele origin: germline. Inheritance: Autosomal recessive inheritance.
Comment: This variant, has been reported in ClinVar (accession VCV000035601.15), in gnomAD with an allele frequency of 0.0037%, and in the scientific literature, segregating with the phenotype and in compound heterozygosity, in individuals with PIGO related disorders (PMID: 22683086). Functional studies suggest that this variant may affect protein function (PMID: 22683086). Another pathogenic variant has been reported to result in the same amino acid substitution. According to the currently available evidence, this variant has been classified as likely pathogenic (PS1_P, PS3_P, PM2_P, PM3, PP1, PP3).

GeneDx
Classification: Pathogenic. Last evaluated: 2026-06-04. Review status: criteria provided, single submitter. Criteria: GeneDx Variant Classification Process June 2021. Collection method: clinical testing. Allele origin: germline.
Comment: Non-canonical splice site variant demonstrated to result in loss of function (PMID: 22683086); Not observed at significant frequency in large population cohorts (gnomAD); This variant is associated with the following publications: (PMID: 28900819, 26219719, 31589614, 31698102, 31127708, 22683086, 34493867)

Labcorp Genetics (formerly Invitae), Labcorp
Classification: Likely pathogenic for Hyperphosphatasia with impaired intellectual development syndrome 2. Last evaluated: 2025-10-31. Review status: criteria provided, single submitter. Criteria: Invitae Variant Classification Sherloc (09022015). Collection method: clinical testing. Allele origin: germline.
Comment: This sequence change falls in intron 9 of the PIGO gene. It does not directly change the encoded amino acid sequence of the PIGO protein. RNA analysis indicates that this variant induces altered splicing and may result in an absent or altered protein product. This variant is present in population databases (rs368953604, gnomAD 0.009%). This variant has been observed in individual(s) with clinical features of PIGN-congenital disorder of glycosylation (PMID: 22683086). In at least one individual the data is consistent with being in trans (on the opposite chromosome) from a pathogenic variant. ClinVar contains an entry for this variant (Variation ID: 35601). Variants that disrupt the consensus splice site are a relatively common cause of aberrant splicing (PMID: 17576681, 9536098). Studies have shown that this variant results in skipping of exon 9, and produces a non-functional protein and/or introduces a premature termination codon (PMID: 22683086). In summary, the currently available evidence indicates that the variant is pathogenic, but additional data are needed to prove that conclusively. Therefore, this variant has been classified as Likely Pathogenic.

Dasa
Classification: Pathogenic. Last evaluated: 2025-10-09. Review status: criteria provided, single submitter. Criteria: DASA Assertion Criteria. Collection method: clinical testing. Allele origin: germline.
Comment: NM_032634.4(PIGO):c.3069+5G>A is a splice-region variant predicted to affect normal RNA splicing. Multiple computational predictions support a deleterious effect on the gene or gene product. The variant is present at low frequency in population datasets. Based on the available data, this variant is classified as pathogenic.

Blueprint Genetics
Classification: Likely pathogenic for PIGO-related disorders. Last evaluated: 2024-08-23. Review status: criteria provided, single submitter. Criteria: ACMG Guidelines, 2015. Collection method: clinical testing. Allele origin: germline. Affected: yes. Observed: 3 variant alleles.

Women's Health and Genetics/Laboratory Corporation of America, LabCorp
Classification: Likely pathogenic for Hyperphosphatasia with impaired intellectual development syndrome 2. Last evaluated: 2024-06-21. Review status: criteria provided, single submitter. Criteria: LabCorp Variant Classification Summary - May 2015. Collection method: clinical testing. Allele origin: germline.
Comment: Variant summary: PIGO c.3069+5G>A alters a non-conserved nucleotide located close to a canonical splice site and therefore could affect mRNA splicing, leading to a significantly altered protein sequence. Several computational tools predict a significant impact on normal splicing: Four predict the variant abolishes the canonical 5' splicing donor site. One predict the variant creates a cryptic 5' donor site. At least one publication reports experimental evidence that this variant affects mRNA splicing by exon skipping (Krawitz_2012). The variant allele was found at a frequency of 2.8e-05 in 250908 control chromosomes. c.3069+5G>A has been reported in the literature in at-least one individual affected with Hyperphosphatasia With Intellectual Disability Syndrome (Krawitz_2012). These data do not allow any conclusion about variant significance. The following publications have been ascertained in the context of this evaluation (PMID: 31589614, 22683086, 34493867). ClinVar contains an entry for this variant (Variation ID: 35601). Based on the evidence outlined above, the variant was classified as likely pathogenic.

Revvity Omics, Revvity
Classification: Likely pathogenic for Hyperphosphatasia with impaired intellectual development syndrome 2. Last evaluated: 2019-07-30. Review status: criteria provided, single submitter. Criteria: ACMG Guidelines, 2015. Collection method: clinical testing. Allele origin: germline.

OMIM
Classification: Pathogenic for HYPERPHOSPHATASIA WITH IMPAIRED INTELLECTUAL DEVELOPMENT SYNDROME 2. Last evaluated: 2012-07-13. Review status: no assertion criteria provided. Collection method: literature only. Allele origin: germline. Not counted in ClinVar's aggregate classification.

Literature cited by the submitters: PubMed 22683086 (cited by 4 submitters); PubMed 17576681 (cited by Labcorp Genetics (formerly Invitae), Labcorp); PubMed 9536098 (cited by Labcorp Genetics (formerly Invitae), Labcorp); PubMed 31589614 (cited by Women's Health and Genetics/Laboratory Corporation of America, LabCorp); PubMed 34493867 (cited by Women's Health and Genetics/Laboratory Corporation of America, LabCorp).

NM_032634.3(PIGO):c.3069+5G>A

Gene: PIGO (phosphatidylinositol glycan anchor biosynthesis class O; minus strand). Cytogenetic location: 9p13.3.
Variant type: single nucleotide variant.
Coding change: c.3069+5G>A on transcript NM_032634.3; 5 bases into the intron after coding-DNA position 3069, G replaced by A.
Molecular consequence: intron variant (on NM_032634.4).
Genome position (GRCh38, 1-based): chr9:35,090,061, C>T on the plus strand (G>A on the coding strand, the complement: PIGO is on the minus strand). VCF-style: chr9-35090061-C-T. GRCh37 (hg19) VCF-style: chr9-35090058-C-T.
Other names: IVS8DS, G-A, +5; c.1818+5G>A (NM_152850.4, NM_001201484.2); c.3069+5G>A (NM_032634.4).
Identifiers: ClinVar variation 35601 (VCV000035601.18), dbSNP rs368953604, ClinGen allele CA129970.